The following is an entry in ClinVar:

ClinVar aggregate classification (germline): Uncertain significance (1 of 4 stars; one submission).

Submission:

Labcorp Genetics (formerly Invitae), Labcorp
Classification: Uncertain significance. Last evaluated: 2025-12-08. Review status: criteria provided, single submitter. Criteria: Invitae Variant Classification Sherloc (09022015). Collection method: clinical testing. Allele origin: germline.
Comment: This variant, c.1547_1555del, results in the deletion of 3 amino acid(s) of the TRRAP protein (p.Ala516_Pro518del), but otherwise preserves the integrity of the reading frame. The frequency data for this variant in the population databases is considered unreliable, as metrics indicate poor data quality at this position in the gnomAD database. This variant has not been reported in the literature in individuals affected with TRRAP-related conditions. This variant has been observed in at least one individual who was not affected with TRRAP-related conditions (internal data). ClinVar contains an entry for this variant (Variation ID: 2892322). Experimental studies and prediction algorithms are not available or were not evaluated, and the functional significance of this variant is currently unknown. In summary, the available evidence is currently insufficient to determine the role of this variant in disease. Therefore, it has been classified as a Variant of Uncertain Significance.

NM_001375524.1(TRRAP):c.1547_1555del (p.Ala516_Pro518del)

Gene: TRRAP (transformation/transcription domain associated protein; plus strand). Cytogenetic location: 7q22.1.
Variant type: Deletion.
Coding change: c.1547_1555del on transcript NM_001375524.1 (MANE Select); coding-DNA positions 1547 to 1555, 9 bases deleted (CCACCCCTG; older notation c.1547_1555delCCACCCCTG).
Protein change: p.Ala516_Pro518del.
Molecular consequence: inframe deletion.
Genome position (GRCh38, 1-based): chr7:98,910,252-98,910,260, CCACCCCTG deleted; deleting any 9 consecutive bases within chr7:98,910,248-98,910,260 gives the same sequence; the c. name uses the placement nearest the transcript's 3' end. VCF-style (leftmost placement, unchanged base first): chr7-98910247-ACCTGCCACC-A. GRCh37 (hg19) VCF-style: chr7-98507870-ACCTGCCACC-A.
Other names: c.1547_1555del, p.Ala516_Pro518del (NM_001244580.2, NM_003496.4).
Identifiers: ClinVar variation 2892322 (VCV002892322.3), dbSNP rs1797013947, ClinGen allele CA576708739.